The following is an entry in ClinVar:

NM_001135649.3(FOXI3):c.926C>G (p.Thr309Ser)

Gene: FOXI3 (forkhead box I3; minus strand). Cytogenetic location: 2p11.2.
Variant type: single nucleotide variant.
Coding change: c.926C>G on transcript NM_001135649.3 (MANE Select); coding-DNA position 926, C replaced by G.
Protein change: p.Thr309Ser; replaces threonine 309 with serine.
Molecular consequence: missense variant.
Genome position (GRCh38, 1-based): chr2:88,448,544, G>C on the plus strand (C>G on the coding strand, the complement: FOXI3 is on the minus strand). VCF-style: chr2-88448544-G-C. GRCh37 (hg19) VCF-style: chr2-88748063-G-C.
Other names: short protein forms T309S.
Identifiers: ClinVar variation 2047582 (VCV002047582.4), dbSNP rs1675987769, ClinGen allele CA347764987.

ClinVar aggregate classification (germline): Uncertain significance (1 of 4 stars; one submission).

Submission:

Labcorp Genetics (formerly Invitae), Labcorp
Classification: Uncertain significance. Last evaluated: 2022-03-14. Review status: criteria provided, single submitter. Criteria: Invitae Variant Classification Sherloc (09022015). Collection method: clinical testing. Allele origin: germline.
Comment: This sequence change replaces threonine, which is neutral and polar, with serine, which is neutral and polar, at codon 309 of the FOXI3 protein (p.Thr309Ser). This variant is not present in population databases (gnomAD no frequency). In summary, the available evidence is currently insufficient to determine the role of this variant in disease. Therefore, it has been classified as a Variant of Uncertain Significance. Experimental studies and prediction algorithms are not available or were not evaluated, and the functional significance of this variant is currently unknown. This variant has not been reported in the literature in individuals affected with FOXI3-related conditions.